The following is an entry in ClinVar:

NM_000334.4(SCN4A):c.2438C>G (p.Ser813Trp)

Genes: GH-LCR (growth hormone locus control region; plus strand), SCN4A (sodium voltage-gated channel alpha subunit 4; minus strand). Cytogenetic location: 17q23.3.
Variant type: single nucleotide variant.
Coding change: c.2438C>G on transcript NM_000334.4 (MANE Select); coding-DNA position 2438, C replaced by G.
Protein change: p.Ser813Trp; replaces serine 813 with tryptophan.
Molecular consequence: missense variant.
Genome position (GRCh38, 1-based): chr17:63,951,839, G>C on the plus strand (C>G on the coding strand, the complement: SCN4A is on the minus strand). VCF-style: chr17-63951839-G-C. GRCh37 (hg19) VCF-style: chr17-62029199-G-C.
Other names: short protein forms S813W.
Identifiers: ClinVar variation 1432648 (VCV001432648.9), dbSNP rs748067563, ClinGen allele CA400627153.
Genomic context (GRCh38, chr17:63,951,839, plus strand): 5'-ATGCCCAACTTGATGCGCCCGATGGCAATCTGCAGGTTGTTCATCTCGCCATCCTCATCC[G>C]AGGCTGCCAGACTGTCGGCGCTGAAGGAGCTCAGCAGCAGAGCCAGGAACAGGTTCAGGA-3'
Protein context (NP_000325.4, residues 803-823): SSFSADSLAA[Ser813Trp]DEDGEMNNLQ

ClinVar aggregate classification (germline): Uncertain significance. Review status: criteria provided, multiple submitters, no conflicts (2 of 4 stars). 2 submissions from 2 submitters: Uncertain significance (2). Last evaluated 2024-10-21.

Conditions:
Hyperkalemic periodic paralysis. Also called: Familial hyperkalemic periodic paralysis; Gamstorp disease. Identifiers: Orphanet 682, MedGen C0238357, MONDO:0008224, OMIM 170500, HP:0007215.

Submissions (2):

Labcorp Genetics (formerly Invitae), Labcorp
Classification: Uncertain significance for Hyperkalemic periodic paralysis. Last evaluated: 2024-10-21. Review status: criteria provided, single submitter. Criteria: Invitae Variant Classification Sherloc (09022015). Collection method: clinical testing. Allele origin: germline.
Comment: This sequence change replaces serine, which is neutral and polar, with tryptophan, which is neutral and slightly polar, at codon 813 of the SCN4A protein (p.Ser813Trp). The frequency data for this variant in the population databases is considered unreliable, as metrics indicate poor data quality at this position in the gnomAD database. This variant has not been reported in the literature in individuals affected with SCN4A-related conditions. ClinVar contains an entry for this variant (Variation ID: 1432648). Invitae Evidence Modeling of protein sequence and biophysical properties (such as structural, functional, and spatial information, amino acid conservation, physicochemical variation, residue mobility, and thermodynamic stability) has been performed for this missense variant. However, the output from this modeling did not meet the statistical confidence thresholds required to predict the impact of this variant on SCN4A protein function. In summary, the available evidence is currently insufficient to determine the role of this variant in disease. Therefore, it has been classified as a Variant of Uncertain Significance.

Athena Diagnostics
Classification: Uncertain significance. Last evaluated: 2024-05-20. Review status: criteria provided, single submitter. Criteria: Athena Diagnostics Criteria. Collection method: clinical testing. Allele origin: unknown.
Comment: Available data are insufficient to determine the clinical significance of the variant at this time. The frequency of this variant in the general population is uninformative in assessment of its pathogenicity. Polyphen and MutationTaster yielded discordant predictions regarding whether this amino acid change is damaging to the protein.